The following is an entry in ClinVar:

NM_013432.5(TONSL):c.1604G>A (p.Arg535Gln)

Genes: TONSL (tonsoku like, DNA repair protein; minus strand), TONSL-AS1 (TONSL antisense RNA 1; plus strand). Cytogenetic location: 8q24.3.
Variant type: single nucleotide variant.
Coding change: c.1604G>A on transcript NM_013432.5 (MANE Select); coding-DNA position 1604, G replaced by A.
Protein change: p.Arg535Gln; replaces arginine 535 with glutamine.
Molecular consequence: missense variant.
Genome position (GRCh38, 1-based): chr8:144,438,520, C>T on the plus strand (G>A on the coding strand, the complement: TONSL is on the minus strand). VCF-style: chr8-144438520-C-T. GRCh37 (hg19) VCF-style: chr8-145663903-C-T.
Other names: short protein forms R535Q.
Identifiers: ClinVar variation 2612923 (VCV002612923.3), dbSNP rs896248194, ClinGen allele CA187672350.

ClinVar aggregate classification (germline): Uncertain significance. Review status: criteria provided, multiple submitters, no conflicts (2 of 4 stars). 2 submissions from 2 submitters: Uncertain significance (2). Last evaluated 2025-12-15.

Conditions:
Inborn genetic diseases. Identifiers: MedGen C0950123, MeSH D030342.

Allele frequency attached by ClinVar (database versions not stated): gnomAD exomes 0.00002; TOPMed 0.00001; gnomAD 0.00001.
gnomAD v4.1: 30 of 1,612,884 alleles (0.0019%); highest among the groups gnomAD compares: Non-Finnish European, 0.0024%; no homozygotes.

Submissions (2):

Labcorp Genetics (formerly Invitae), Labcorp
Classification: Uncertain significance. Last evaluated: 2025-12-15. Review status: criteria provided, single submitter. Criteria: Invitae Variant Classification Sherloc (09022015). Collection method: clinical testing. Allele origin: germline.
Comment: This sequence change replaces arginine, which is basic and polar, with glutamine, which is neutral and polar, at codon 535 of the TONSL protein (p.Arg535Gln). This variant is present in population databases (no rsID available, gnomAD 0.0009%). This variant has not been reported in the literature in individuals affected with TONSL-related conditions. ClinVar contains an entry for this variant (Variation ID: 2612923). Invitae Evidence Modeling of protein sequence and biophysical properties (such as structural, functional, and spatial information, amino acid conservation, physicochemical variation, residue mobility, and thermodynamic stability) indicates that this missense variant is expected to disrupt TONSL protein function with a positive predictive value of 80%. In summary, the available evidence is currently insufficient to determine the role of this variant in disease. Therefore, it has been classified as a Variant of Uncertain Significance.

Ambry Genetics
Classification: Uncertain significance for Inborn genetic diseases. Last evaluated: 2023-07-19. Review status: criteria provided, single submitter. Criteria: Ambry Variant Classification Scheme 2023. Collection method: clinical testing. Allele origin: germline.